The following is an entry in ClinVar:

ClinVar aggregate classification (germline): Pathogenic (1 of 4 stars; one submission).

Submission:

Labcorp Genetics (formerly Invitae), Labcorp
Classification: Pathogenic. Last evaluated: 2024-01-03. Review status: criteria provided, single submitter. Criteria: Invitae Variant Classification Sherloc (09022015). Collection method: clinical testing. Allele origin: germline.
Comment: This sequence change creates a premature translational stop signal (p.Asn179Ilefs*28) in the SMARCB1 gene. It is expected to result in an absent or disrupted protein product. Loss-of-function variants in SMARCB1 are known to be pathogenic (PMID: 10521299, 21208904). This variant is not present in population databases (gnomAD no frequency). This variant has not been reported in the literature in individuals affected with SMARCB1-related conditions. For these reasons, this variant has been classified as Pathogenic.

Literature cited by the submitters: PubMed 10521299; PubMed 21208904.

NM_003073.5(SMARCB1):c.536_542del (p.Asn179fs)

Gene: SMARCB1 (SWI/SNF related BAF chromatin remodeling complex subunit B1; plus strand). Cytogenetic location: 22q11.23.
Variant type: Deletion.
Coding change: c.536_542del on transcript NM_003073.5 (MANE Select); coding-DNA positions 536 to 542, 7 bases deleted (ACGCATC; older notation c.536_542delACGCATC).
Protein change: p.Asn179fs; shifts the reading frame from asparagine 179.
Molecular consequence: frameshift variant.
Genome position (GRCh38, 1-based): chr22:23,803,330-23,803,336, ACGCATC deleted. VCF-style (leftmost placement, unchanged base first): chr22-23803329-AACGCATC-A. GRCh37 (hg19) VCF-style: chr22-24145516-AACGCATC-A.
Other names: c.509_515del, p.Asn170fs (NM_001007468.3); c.563_569del, p.Asn188fs (NM_001317946.2); c.590_596del, p.Asn197fs (NM_001362877.2); short protein forms N188fs, N170fs, N179fs, N197fs.
Identifiers: ClinVar variation 2707117 (VCV002707117.3), dbSNP rs2517684135, ClinGen allele CA2697552582.
Genomic context (GRCh38, chr22:23,803,329, plus strand): 5'-GACTGTTGCTTCCATTTCACTTTCAGCTTTGATGACCATGACCCAGCTGTGATCCATGAG[AACGCATC>A]TCAGCCCGAGGTGCTGGTCCCCATCCGGCTGGACATGGAGATCGATGGGCAGAAGCTGCG-3'